The following is an entry in ClinVar:

NM_032888.4(COL27A1):c.4958G>A (p.Arg1653Gln)

Gene: COL27A1 (collagen type XXVII alpha 1 chain; plus strand). Cytogenetic location: 9q32.
Variant type: single nucleotide variant.
Coding change: c.4958G>A on transcript NM_032888.4 (MANE Select); coding-DNA position 4958, G replaced by A.
Protein change: p.Arg1653Gln; replaces arginine 1653 with glutamine.
Molecular consequence: missense variant.
Genome position (GRCh38, 1-based): chr9:114,306,539, G>A. VCF-style: chr9-114306539-G-A. GRCh37 (hg19) VCF-style: chr9-117068819-G-A.
Other names: short protein forms R1653Q.
Identifiers: ClinVar variation 1979290 (VCV001979290.1), dbSNP rs751681660, ClinGen allele CA5203247.
Genomic context (GRCh38, chr9:114,306,539, plus strand): 5'-AGGACCCTAAGGTCCCAATGACCACCCTCTCCTCGTGACAGAGTTACAGCTATCCAGACC[G>A]GCTGGTGCTGGACCAGGGAGGAGAGATCTTTAAAACCTTACACTACCTCAGCAACCTCAT-3'
Protein context (NP_116277.2, residues 1643-1663): LRPESYSYPD[Arg1653Gln]LVLDQGGEIF

ClinVar aggregate classification (germline): Uncertain significance (1 of 4 stars; one submission).

gnomAD v4.1: 12 of 1,614,020 alleles (0.00074%); highest among the groups gnomAD compares: South Asian, 0.0033%; no homozygotes.

Submission:

Labcorp Genetics (formerly Invitae), Labcorp
Classification: Uncertain significance. Last evaluated: 2022-05-22. Review status: criteria provided, single submitter. Criteria: Invitae Variant Classification Sherloc (09022015). Collection method: clinical testing. Allele origin: germline.
Comment: This sequence change replaces arginine, which is basic and polar, with glutamine, which is neutral and polar, at codon 1653 of the COL27A1 protein (p.Arg1653Gln). This variant is present in population databases (rs751681660, gnomAD 0.003%). This variant has not been reported in the literature in individuals affected with COL27A1-related conditions. Advanced modeling of protein sequence and biophysical properties (such as structural, functional, and spatial information, amino acid conservation, physicochemical variation, residue mobility, and thermodynamic stability) performed at Invitae indicates that this missense variant is not expected to disrupt COL27A1 protein function. In summary, the available evidence is currently insufficient to determine the role of this variant in disease. Therefore, it has been classified as a Variant of Uncertain Significance.